The following is an entry in ClinVar:

NM_032776.3(JMJD1C):c.67G>A (p.Ala23Thr)

Genes: JMJD1C (jumonji domain containing 1C; minus strand), JMJD1C-AS1 (JMJD1C antisense RNA 1; plus strand). Cytogenetic location: 10q21.3.
Variant type: single nucleotide variant.
Coding change: c.67G>A on transcript NM_032776.3 (MANE Select); coding-DNA position 67, G replaced by A.
Protein change: p.Ala23Thr; replaces alanine 23 with threonine.
Molecular consequence: missense variant. On other transcripts: non-coding transcript variant (1), intron variant (2).
Genome position (GRCh38, 1-based): chr10:63,465,596, C>T on the plus strand (G>A on the coding strand, the complement: JMJD1C is on the minus strand). VCF-style: chr10-63465596-C-T. GRCh37 (hg19) VCF-style: chr10-65225356-C-T.
Other names: c.67G>A, p.Ala23Thr (NM_001322252.2); c.-384+56142G>A (NM_001322258.2); c.-379+56142G>A (NM_001318154.2); c.67G>A (NM_032776.1); short protein forms A23T.
Identifiers: ClinVar variation 1498820 (VCV001498820.9), dbSNP rs971091240, ClinGen allele CA208670956.

ClinVar aggregate classification (germline): Uncertain significance. Review status: criteria provided, multiple submitters, no conflicts (2 of 4 stars). 2 submissions from 2 submitters: Uncertain significance (2). Last evaluated 2025-02-22.

Conditions:
Early Myoclonic Encephalopathy. Identifiers: MedGen C0270855.

Allele frequency attached by ClinVar (database versions not stated): gnomAD exomes 0.00003; gnomAD 0.00003; TOPMed 0.00003.
gnomAD v4.1: 46 of 1,609,612 alleles (0.0029%); highest among the groups gnomAD compares: Non-Finnish European, 0.0039%; no homozygotes.

Submissions (2):

Ambry Genetics
Classification: Uncertain significance. Last evaluated: 2025-02-22. Review status: criteria provided, single submitter. Criteria: Ambry Variant Classification Scheme 2023. Collection method: clinical testing. Allele origin: germline.

Labcorp Genetics (formerly Invitae), Labcorp
Classification: Uncertain significance for Early Myoclonic Encephalopathy. Last evaluated: 2020-11-19. Review status: criteria provided, single submitter. Criteria: Invitae Variant Classification Sherloc (09022015). Collection method: clinical testing. Allele origin: germline.
Comment: This sequence change replaces alanine with threonine at codon 23 of the JMJD1C protein (p.Ala23Thr). The alanine residue is weakly conserved and there is a small physicochemical difference between alanine and threonine. This variant is not present in population databases (ExAC no frequency). This variant has not been reported in the literature in individuals with JMJD1C-related conditions. Algorithms developed to predict the effect of missense changes on protein structure and function are either unavailable or do not agree on the potential impact of this missense change (SIFT: "Deleterious"; PolyPhen-2: "Benign"; Align-GVGD: "Class C0"). In summary, the available evidence is currently insufficient to determine the role of this variant in disease. Therefore, it has been classified as a Variant of Uncertain Significance.